The following is an entry in ClinVar:

ClinVar aggregate classification (germline): Pathogenic. Review status: criteria provided, multiple submitters, no conflicts (2 of 4 stars). 3 submissions from 3 submitters: Pathogenic (3). Last evaluated 2023-04-25.

Conditions:
Hereditary cancer-predisposing syndrome. Also called: Hereditary Cancer Syndrome; Neoplastic Syndromes, Hereditary; Tumor predisposition; Hereditary neoplastic syndrome. Identifiers: Orphanet 140162, MedGen C0027672, MeSH D009386, MONDO:0015356.
Neurofibromatosis, type 1 (NF1). Also called: Neurofibromatosis, type I; VON RECKLINGHAUSEN DISEASE; NEUROFIBROMATOSIS, TYPE I, SOMATIC; Peripheral type neurofibromatosis. Identifiers: Orphanet 636, MedGen C0027831, MONDO:0018975, OMIM 162200. Disease mechanism: loss of function.

Submissions (3):

GeneDx
Classification: Pathogenic. Last evaluated: 2023-04-25. Review status: criteria provided, single submitter. Criteria: GeneDx Variant Classification Process June 2021. Collection method: clinical testing. Allele origin: germline. Affected: yes.
Comment: Nonsense variant predicted to result in protein truncation or nonsense mediated decay in a gene for which loss of function is a known mechanism of disease; Not observed at significant frequency in large population cohorts (gnomAD); This variant is associated with the following publications: (PMID: 35641267, 31766501, 26740943)

Labcorp Genetics (formerly Invitae), Labcorp
Classification: Pathogenic for Neurofibromatosis, type 1. Last evaluated: 2023-04-22. Review status: criteria provided, single submitter. Criteria: Invitae Variant Classification Sherloc (09022015). Collection method: clinical testing. Allele origin: germline.
Comment: For these reasons, this variant has been classified as Pathogenic. ClinVar contains an entry for this variant (Variation ID: 229852). This premature translational stop signal has been observed in individual(s) with neurofibromatosis, type 1 (PMID: 26740943). This variant is not present in population databases (gnomAD no frequency). This sequence change creates a premature translational stop signal (p.Trp1314*) in the NF1 gene. It is expected to result in an absent or disrupted protein product. Loss-of-function variants in NF1 are known to be pathogenic (PMID: 10712197, 23913538).

Ambry Genetics
Classification: Pathogenic for Hereditary cancer-predisposing syndrome. Last evaluated: 2015-01-16. Review status: criteria provided, single submitter. Criteria: Ambry Autosomal Dominant and X-Linked criteria (10/2015). Collection method: clinical testing. Allele origin: germline. Observed: 1 variant allele.
Comment: The p.W1314* pathogenic mutation (also known as c.3941G>A), located in coding exon 29 of the NF1 gene, results from a G to A substitution at nucleotide position 3941. This changes the amino acid from a tryptophan to a stop codon within coding exon 29. A similar alteration leading to the same amino acid change, p.W1314* (c.3942G>A), has been identified in multiple patients meeting clinical NF1 criteria (Upadhyaya, M et al. Hum Genet. 1997 Jan;99(1):88-92; Violante, IR et al. Brain. 2013 Mar;136(Pt 3):918-25). In addition to the clinical data presented in the literature, since premature stop codons are typically deleterious in nature, this alteration is interpreted as a disease-causing mutation (ACMG Recommendations for Standards for Interpretation and Reporting of Sequence Variations. Revision 2007. Genet Med. 2008;10:294).

Literature cited by the submitters: PubMed 26740943 (cited by Labcorp Genetics (formerly Invitae), Labcorp); PubMed 10712197 (cited by Labcorp Genetics (formerly Invitae), Labcorp); PubMed 23913538 (cited by Labcorp Genetics (formerly Invitae), Labcorp).

NM_001042492.3(NF1):c.3941G>A (p.Trp1314Ter)

Gene: NF1 (neurofibromin 1; plus strand). Cytogenetic location: 17q11.2.
Variant type: single nucleotide variant.
Coding change: c.3941G>A on transcript NM_001042492.3 (MANE Select); coding-DNA position 3941, G replaced by A.
Protein change: p.Trp1314Ter; replaces tryptophan 1314 with a stop codon.
Molecular consequence: nonsense.
Genome position (GRCh38, 1-based): chr17:31,235,988, G>A. VCF-style: chr17-31235988-G-A. GRCh37 (hg19) VCF-style: chr17-29563006-G-A.
Other names: c.3941G>A, p.Trp1314Ter (NM_000267.4); short protein forms W1314*.
Identifiers: ClinVar variation 229852 (VCV000229852.7), dbSNP rs876658235, ClinGen allele CA10580301.
Genomic context (GRCh38, chr17:31,235,988, plus strand): 5'-CTACCTATCTACAAAAACTCCTGGATCCTTTATTACGAATTGTGATCACATCCTCTGATT[G>A]GCAACATGTTAGCTTTGAAGTGGATCCTACCAGGTTTGTCATCTTTTCACATAGAACCGC-3'